The following is an entry in ClinVar:

NM_032578.4(MYPN):c.1672C>T (p.Pro558Ser)

Gene: MYPN (myopalladin; plus strand). Cytogenetic location: 10q21.3.
Variant type: single nucleotide variant.
Coding change: c.1672C>T on transcript NM_032578.4 (MANE Select); coding-DNA position 1672, C replaced by T.
Protein change: p.Pro558Ser; replaces proline 558 with serine.
Molecular consequence: missense variant. On other transcripts: non-coding transcript variant (2).
Genome position (GRCh38, 1-based): chr10:68,166,365, C>T. VCF-style: chr10-68166365-C-T. GRCh37 (hg19) VCF-style: chr10-69926122-C-T.
Other names: c.1672C>T, p.Pro558Ser (NM_001256267.2); c.790C>T, p.Pro264Ser (NM_001256268.2); short protein forms P264S, P558S.
Identifiers: ClinVar variation 1035461 (VCV001035461.9), dbSNP rs767709261, ClinGen allele CA5522638.

ClinVar aggregate classification (germline): Uncertain significance. Review status: criteria provided, multiple submitters, no conflicts (2 of 4 stars). 2 submissions from 2 submitters: Uncertain significance (2). Last evaluated 2024-03-11.

Conditions:
Dilated cardiomyopathy 1KK (CMD1KK). Identifiers: Orphanet 154, Orphanet 75249, MedGen C3714995, MONDO:0014100, OMIM 615248.
Cardiovascular phenotype. Identifiers: MedGen CN230736.

Allele frequency attached by ClinVar (database versions not stated): TOPMed below 0.00001; ExAC 0.00001; gnomAD 0.00001.
gnomAD v4.1: 14 of 1,613,972 alleles (0.00087%); highest among the groups gnomAD compares: African/African-American, 0.0013%; no homozygotes.

Submissions (2):

Labcorp Genetics (formerly Invitae), Labcorp
Classification: Uncertain significance for Dilated cardiomyopathy 1KK. Last evaluated: 2024-03-11. Review status: criteria provided, single submitter. Criteria: Invitae Variant Classification Sherloc (09022015). Collection method: clinical testing. Allele origin: germline.
Comment: This sequence change replaces proline, which is neutral and non-polar, with serine, which is neutral and polar, at codon 558 of the MYPN protein (p.Pro558Ser). This variant is present in population databases (rs767709261, gnomAD 0.004%). This variant has not been reported in the literature in individuals affected with MYPN-related conditions. ClinVar contains an entry for this variant (Variation ID: 1035461). An algorithm developed to predict the effect of missense changes on protein structure and function (PolyPhen-2) suggests that this variant is likely to be tolerated. In summary, the available evidence is currently insufficient to determine the role of this variant in disease. Therefore, it has been classified as a Variant of Uncertain Significance.

Ambry Genetics
Classification: Uncertain significance for Cardiovascular phenotype. Last evaluated: 2024-02-06. Review status: criteria provided, single submitter. Criteria: Ambry Variant Classification Scheme 2023. Collection method: clinical testing. Allele origin: germline.